The following is an entry in ClinVar:

ClinVar aggregate classification (germline): Uncertain significance (1 of 4 stars; one submission).

Submission:

Dasa
Classification: Uncertain significance. Last evaluated: 2025-09-19. Review status: criteria provided, single submitter. Criteria: DASA Assertion Criteria. Collection method: clinical testing. Allele origin: germline.
Comment: NM_001379636.1(KIF1A):c.3657dup (p.Arg1220Serfs*53) is a frameshift variant in KIF1A predicted to alter the reading frame and introduce a premature termination codon. This variant is rare in population databases. The currently available literature and clinical evidence are not sufficient to establish a definitive association between this variant and the reported condition. Therefore, this variant is classified as a variant of uncertain significance.

NM_001244008.2(KIF1A):c.3901+447dup

Genes: KIF1A (kinesin family member 1A; minus strand), LOC126806583 (P300/CBP strongly-dependent group 1 enhancer GRCh37_chr2:241678910-241680109; plus strand). Cytogenetic location: 2q37.3.
Variant type: Duplication.
Coding change: c.3901+447dup on transcript NM_001244008.2 (MANE Select); 447 bases into the intron after coding-DNA position 3901, one base duplicated (T; older notation c.3901+447dupT).
Molecular consequence: intron variant. On other transcripts: frameshift variant (1).
Genome position (GRCh38, 1-based): chr2:240,739,611, A duplicated on the plus strand (T on the coding strand, the reverse complement: KIF1A is on the minus strand); the first of 4 consecutive A bases (chr2:240,739,611-240,739,614); duplicating any one gives the same sequence. VCF-style (leftmost placement, unchanged base first): chr2-240739610-G-GA. GRCh37 (hg19) VCF-style: chr2-241679027-G-GA.
Other names: c.3657dup, p.Arg1220fs (NM_001379636.1); c.3598+447dup (NM_001379653.1, NM_001379650.1, NM_001379641.1 and 4 more transcripts); c.3874+447dup (NM_001379645.1, NM_001379633.1, NM_001379642.1); c.3700+447dup (NM_001379635.1, NM_001330290.2, NM_001379646.1 and 1 more transcripts); c.3595+447dup (NM_001379640.1); c.3850+447dup (NM_001379632.1); c.3673+447dup (NM_001379637.1, NM_001379648.1); c.3625+447dup (NM_001320705.2, NM_001379638.1, NM_001330289.2); and 1 more; short protein forms R1220fs.
Identifiers: ClinVar variation 4883884 (VCV004883884.2).